The following is an entry in ClinVar:

NM_017636.4(TRPM4):c.236A>G (p.Asp79Gly)

Gene: TRPM4 (transient receptor potential cation channel subfamily M member 4; plus strand). Cytogenetic location: 19q13.33.
Variant type: single nucleotide variant.
Coding change: c.236A>G on transcript NM_017636.4 (MANE Select); coding-DNA position 236, A replaced by G.
Protein change: p.Asp79Gly; replaces aspartic acid 79 with glycine.
Molecular consequence: missense variant. On other transcripts: 5 prime UTR variant (1), intron variant (2).
Genome position (GRCh38, 1-based): chr19:49,166,184, A>G. VCF-style: chr19-49166184-A-G. GRCh37 (hg19) VCF-style: chr19-49669441-A-G.
Other names: c.236A>G, p.Asp79Gly (NM_001195227.2, NM_001321281.2); c.-1137A>G (NM_001321282.2); c.-74-2076A>G (NM_001321283.2); c.-237-2369A>G (NM_001321285.2); short protein forms D79G.
Identifiers: ClinVar variation 1790263 (VCV001790263.10), dbSNP rs766569634, ClinGen allele CA9568727.

ClinVar aggregate classification (germline): Uncertain significance. Review status: criteria provided, multiple submitters, no conflicts (2 of 4 stars). 3 submissions from 3 submitters: Uncertain significance (3). Last evaluated 2025-09-05.

Conditions:
Progressive familial heart block type IB (PFHB1B). Identifiers: Orphanet 871, MedGen C1970298, MONDO:0011474, OMIM 604559.
Cardiovascular phenotype. Identifiers: MedGen CN230736.

Allele frequency attached by ClinVar (database versions not stated): gnomAD exomes below 0.00001; ExAC 0.00003.
gnomAD v4.1: 2 of 1,608,624 alleles (0.00012%); highest among the groups gnomAD compares: East Asian, 0.0022%; no homozygotes.

Submissions (3):

GeneDx
Classification: Uncertain significance. Last evaluated: 2025-09-05. Review status: criteria provided, single submitter. Criteria: GeneDx Variant Classification Process June 2021. Collection method: clinical testing. Allele origin: germline.
Comment: Not observed at significant frequency in large population cohorts (gnomAD); In silico analysis supports that this missense variant has a deleterious effect on protein structure/function; Has not been previously published as pathogenic or benign to our knowledge

Labcorp Genetics (formerly Invitae), Labcorp
Classification: Uncertain significance for Progressive familial heart block type IB. Last evaluated: 2025-03-11. Review status: criteria provided, single submitter. Criteria: Invitae Variant Classification Sherloc (09022015). Collection method: clinical testing. Allele origin: germline.
Comment: This sequence change replaces aspartic acid, which is acidic and polar, with glycine, which is neutral and non-polar, at codon 79 of the TRPM4 protein (p.Asp79Gly). The frequency data for this variant in the population databases is considered unreliable, as metrics indicate poor data quality at this position in the gnomAD database. This variant has not been reported in the literature in individuals affected with TRPM4-related conditions. ClinVar contains an entry for this variant (Variation ID: 1790263). An algorithm developed to predict the effect of missense changes on protein structure and function (PolyPhen-2) suggests that this variant is likely to be disruptive. In summary, the available evidence is currently insufficient to determine the role of this variant in disease. Therefore, it has been classified as a Variant of Uncertain Significance.

Ambry Genetics
Classification: Uncertain significance for Cardiovascular phenotype. Last evaluated: 2023-03-05. Review status: criteria provided, single submitter. Criteria: Ambry Variant Classification Scheme 2023. Collection method: clinical testing. Allele origin: germline.
Comment: The p.D79G variant (also known as c.236A>G), located in coding exon 3 of the TRPM4 gene, results from an A to G substitution at nucleotide position 236. The aspartic acid at codon 79 is replaced by glycine, an amino acid with similar properties. This amino acid position is not well conserved in available vertebrate species. In addition, this alteration is predicted to be tolerated by in silico analysis. Since supporting evidence is limited at this time, the clinical significance of this alteration remains unclear.